The following is an entry in ClinVar:

ClinVar aggregate classification (germline): Uncertain significance. Review status: criteria provided, multiple submitters, no conflicts (2 of 4 stars). 2 submissions from 2 submitters: Uncertain significance (2). Last evaluated 2025-08-13.

Conditions:
Inborn genetic diseases. Identifiers: MedGen C0950123, MeSH D030342.
Fanconi anemia (FA). Also called: Fanconi's anemia. Identifiers: Orphanet 84, MedGen C0015625, MeSH D005199, MONDO:0019391.

Allele frequency attached by ClinVar (database versions not stated): TOPMed below 0.00001; gnomAD 0.00001.
gnomAD v4.1: 14 of 1,613,584 alleles (0.00087%); highest among the groups gnomAD compares: Non-Finnish European, 0.0011%; no homozygotes.

Submissions (2):

Ambry Genetics
Classification: Uncertain significance for Inborn genetic diseases. Last evaluated: 2025-08-13. Review status: criteria provided, single submitter. Criteria: Ambry Variant Classification Scheme 2023. Collection method: clinical testing. Allele origin: germline.

Labcorp Genetics (formerly Invitae), Labcorp
Classification: Uncertain significance for Fanconi anemia. Last evaluated: 2023-09-27. Review status: criteria provided, single submitter. Criteria: Invitae Variant Classification Sherloc (09022015). Collection method: clinical testing. Allele origin: germline.
Comment: This sequence change replaces alanine, which is neutral and non-polar, with threonine, which is neutral and polar, at codon 452 of the FANCI protein (p.Ala452Thr). The frequency data for this variant in the population databases is considered unreliable, as metrics indicate poor data quality at this position in the gnomAD database. This variant has not been reported in the literature in individuals affected with FANCI-related conditions. Advanced modeling of protein sequence and biophysical properties (such as structural, functional, and spatial information, amino acid conservation, physicochemical variation, residue mobility, and thermodynamic stability) performed at Invitae indicates that this missense variant is not expected to disrupt FANCI protein function. In summary, the available evidence is currently insufficient to determine the role of this variant in disease. Therefore, it has been classified as a Variant of Uncertain Significance.

NM_001113378.2(FANCI):c.1354G>A (p.Ala452Thr)

Gene: FANCI (FA complementation group I; plus strand). Cytogenetic location: 15q26.1.
Variant type: single nucleotide variant.
Coding change: c.1354G>A on transcript NM_001113378.2 (MANE Select); coding-DNA position 1354, G replaced by A.
Protein change: p.Ala452Thr; replaces alanine 452 with threonine.
Molecular consequence: missense variant.
Genome position (GRCh38, 1-based): chr15:89,278,747, G>A. VCF-style: chr15-89278747-G-A. GRCh37 (hg19) VCF-style: chr15-89821978-G-A.
Other names: c.1075G>A, p.Ala359Thr (NM_001376910.1); c.1354G>A, p.Ala452Thr (NM_001376911.1, NM_018193.3); short protein forms A359T, A452T.
Identifiers: ClinVar variation 2859170 (VCV002859170.2), dbSNP rs1490585651, ClinGen allele CA393743296.
Genomic context (GRCh38, chr15:89,278,747, plus strand): 5'-ATCCATGAGATGATCAGACAAGAAATTTTGGAGCAGGTCCTCAACAGGGTTGTTACCAGA[G>A]CATCTTCTCCCATCAGTCATTTCTTAGGTATTCAACTTTGAAAGAATGAATAAAGTTTTT-3'
Protein context (NP_001106849.1, residues 442-462): EQVLNRVVTR[Ala452Thr]SSPISHFLDL